The following is an entry in ClinVar:

ClinVar aggregate classification (germline): Benign. Review status: criteria provided, multiple submitters, no conflicts (2 of 4 stars). 3 submissions from 3 submitters: Benign (3). Last evaluated 2024-03-01.

Allele frequency attached by ClinVar (database versions not stated): gnomAD 0.00624 and 0.00657; TOPMed 0.00646; gnomAD exomes 0.00651 and 0.00998; ExAC 0.00695; ESP Exome Variant Server 0.00792; 1000 Genomes Project 30x 0.00265; 1000 Genomes Project 0.00319.
gnomAD v4.1: 15,403 of 1,613,326 alleles (0.95%); highest among the groups gnomAD compares: Non-Finnish European, 1.2%; 106 homozygotes.

Submissions (3):

CeGaT Center for Human Genetics Tuebingen
Classification: Benign. Last evaluated: 2024-03-01. Review status: criteria provided, single submitter. Criteria: CeGaT Center For Human Genetics Tuebingen Variant Classification Criteria Version 2. Collection method: clinical testing. Allele origin: germline. Affected: yes. Observed: 1 variant allele.
Comment: USP34: BS1, BS2

Labcorp Genetics (formerly Invitae), Labcorp
Classification: Benign. Last evaluated: 2019-12-31. Review status: criteria provided, single submitter. Criteria: Invitae Variant Classification Sherloc (09022015). Collection method: clinical testing. Allele origin: germline.

Breakthrough Genomics
Classification: Benign. Review status: criteria provided, single submitter. Criteria: ACMG Guidelines, 2015. Collection method: not provided. Allele origin: germline. Inheritance: Unknown mechanism. Affected: yes.

NM_014709.4(USP34):c.1524A>C (p.Arg508Ser)

Gene: USP34 (ubiquitin specific peptidase 34; minus strand). Cytogenetic location: 2p15.
Variant type: single nucleotide variant.
Coding change: c.1524A>C on transcript NM_014709.4 (MANE Select); coding-DNA position 1524, A replaced by C.
Protein change: p.Arg508Ser; replaces arginine 508 with serine.
Molecular consequence: missense variant.
Genome position (GRCh38, 1-based): chr2:61,349,269, T>G on the plus strand (A>C on the coding strand, the complement: USP34 is on the minus strand). VCF-style: chr2-61349269-T-G. GRCh37 (hg19) VCF-style: chr2-61576404-T-G.
Other names: short protein forms R508S.
Identifiers: ClinVar variation 715474 (VCV000715474.26), dbSNP rs62623573, ClinGen allele CA1677459.